The following is an entry in ClinVar:

ClinVar aggregate classification (germline): Likely benign. Review status: criteria provided, multiple submitters, no conflicts (2 of 4 stars). 2 submissions from 2 submitters: Likely benign (2). Last evaluated 2026-05-27.

Conditions:
ATP2B2-related disorder. Also called: ATP2B2-related condition.

Allele frequency attached by ClinVar (database versions not stated): gnomAD exomes 0.00003; ExAC 0.00004; gnomAD 0.00006; ESP Exome Variant Server 0.00031.
gnomAD v4.1: 57 of 1,584,858 alleles (0.0036%); highest among the groups gnomAD compares: Admixed American, 0.029%; no homozygotes.

Submissions (2):

PreventionGenetics, part of Exact Sciences
Classification: Likely benign for ATP2B2-related condition. Last evaluated: 2026-05-27. Review status: criteria provided, single submitter. Criteria: ACMG Guidelines, 2015. Collection method: clinical testing. Allele origin: germline.
Comment: This variant is classified as likely benign based on ACMG/AMP sequence variant interpretation guidelines (Richards et al. 2015 PMID: 25741868, with internal and published modifications).

Labcorp Genetics (formerly Invitae), Labcorp
Classification: Likely benign. Last evaluated: 2025-03-10. Review status: criteria provided, single submitter. Criteria: Invitae Variant Classification Sherloc (09022015). Collection method: clinical testing. Allele origin: germline.

NM_001001331.4(ATP2B2):c.2382G>A (p.Thr794=)

Gene: ATP2B2 (ATPase plasma membrane Ca2+ transporting 2; minus strand). Cytogenetic location: 3p25.3.
Variant type: single nucleotide variant.
Coding change: c.2382G>A on transcript NM_001001331.4 (MANE Select); coding-DNA position 2382, G replaced by A.
Protein change: p.Thr794=; no amino-acid change (threonine 794 retained).
Molecular consequence: synonymous variant.
Genome position (GRCh38, 1-based): chr3:10,350,134, C>T on the plus strand (G>A on the coding strand, the complement: ATP2B2 is on the minus strand). VCF-style: chr3-10350134-C-T. GRCh37 (hg19) VCF-style: chr3-10391818-C-T.
Other names: c.2247G>A (NM_001683.3); c.2247G>A, p.Thr749= (NM_001330611.3, NM_001353564.1, NM_001363862.1 and 1 more transcripts).
Identifiers: ClinVar variation 2752439 (VCV002752439.4), dbSNP rs144351929, ClinGen allele CA2253407.